The following is an entry in ClinVar:

NM_001206927.2(DNAH8):c.270G>C (p.Pro90=)

Genes: DNAH8 (dynein axonemal heavy chain 8; plus strand), LOC126859667 (BRD4-independent group 4 enhancer GRCh37_chr6:38690326-38691525; plus strand). Cytogenetic location: 6p21.2.
Variant type: single nucleotide variant.
Coding change: c.270G>C on transcript NM_001206927.2 (MANE Select); coding-DNA position 270, G replaced by C.
Protein change: p.Pro90=; no amino-acid change (proline 90 retained).
Molecular consequence: synonymous variant. On other transcripts: 5 prime UTR variant (1).
Genome position (GRCh38, 1-based): chr6:38,723,079, G>C. VCF-style: chr6-38723079-G-C. GRCh37 (hg19) VCF-style: chr6-38690855-G-C.
Other names: c.-297G>C (NM_001371.4).
Identifiers: ClinVar variation 238641 (VCV000238641.36), dbSNP rs180723141, ClinGen allele CA3787896.

ClinVar aggregate classification (germline): Benign/Likely benign. Review status: criteria provided, multiple submitters, no conflicts (2 of 4 stars). 3 submissions from 3 submitters: Benign (1); Likely benign (2). Last evaluated 2026-07-01.

Conditions:
Primary ciliary dyskinesia. Also called: Ciliary dyskinesia. Identifiers: Orphanet 244, MedGen C0008780, MONDO:0016575, HP:0012265.

Allele frequency attached by ClinVar (database versions not stated): 1000 Genomes Project 30x 0.00125; 1000 Genomes Project 0.00140; gnomAD 0.00175; ESP Exome Variant Server 0.00209; TOPMed 0.00249.
gnomAD v4.1: 4,722 of 1,612,878 alleles (0.29%); highest among the groups gnomAD compares: Middle Eastern, 0.49%; 21 homozygotes.

Submissions (3):

CeGaT Center for Human Genetics Tuebingen
Classification: Likely benign. Last evaluated: 2026-07-01. Review status: criteria provided, single submitter. Criteria: CeGaT Center For Human Genetics Tuebingen Variant Classification Criteria Version 2. Collection method: clinical testing. Allele origin: germline. Affected: yes. Observed: 4 variant alleles.
Comment: DNAH8: BP4, BP7, BS2

Labcorp Genetics (formerly Invitae), Labcorp
Classification: Benign for Primary ciliary dyskinesia. Last evaluated: 2026-02-01. Review status: criteria provided, single submitter. Criteria: Invitae Variant Classification Sherloc (09022015). Collection method: clinical testing. Allele origin: germline.

Blueprint Genetics
Classification: Likely benign. Last evaluated: 2024-11-22. Review status: criteria provided, single submitter. Criteria: ACMG Guidelines, 2015. Collection method: clinical testing. Allele origin: germline.